The following is an entry in ClinVar:

NM_003816.3(ADAM9):c.2429C>T (p.Pro810Leu)

Gene: ADAM9 (ADAM metallopeptidase domain 9; plus strand). Cytogenetic location: 8p11.22.
Variant type: single nucleotide variant.
Coding change: c.2429C>T on transcript NM_003816.3 (MANE Select); coding-DNA position 2429, C replaced by T.
Protein change: p.Pro810Leu; replaces proline 810 with leucine.
Molecular consequence: missense variant. On other transcripts: non-coding transcript variant (3).
Genome position (GRCh38, 1-based): chr8:39,103,669, C>T. VCF-style: chr8-39103669-C-T. GRCh37 (hg19) VCF-style: chr8-38961188-C-T.
Other names: c.2429C>T (NM_003816.2); short protein forms P810L.
Identifiers: ClinVar variation 1005098 (VCV001005098.5), dbSNP rs140544245, ClinGen allele CA175178992.

ClinVar aggregate classification (germline): Uncertain significance. Review status: criteria provided, multiple submitters, no conflicts (2 of 4 stars). 3 submissions from 3 submitters: Uncertain significance (3). Last evaluated 2023-09-14.

Conditions:
Inborn genetic diseases. Identifiers: MedGen C0950123, MeSH D030342.

Allele frequency attached by ClinVar (database versions not stated): gnomAD exomes 0.00002; gnomAD 0.00007 and 0.00008; ESP Exome Variant Server 0.00008; TOPMed 0.00009.
gnomAD v4.1: 17 of 1,614,020 alleles (0.0011%); highest among the groups gnomAD compares: African/African-American, 0.019%; no homozygotes.

Submissions (3):

Ambry Genetics
Classification: Uncertain significance for Inborn genetic diseases. Last evaluated: 2023-09-14. Review status: criteria provided, single submitter. Criteria: Ambry Variant Classification Scheme 2023. Collection method: clinical testing. Allele origin: germline.

Blueprint Genetics
Classification: Uncertain significance. Last evaluated: 2023-04-03. Review status: criteria provided, single submitter. Criteria: ACMG Guidelines, 2015. Collection method: clinical testing. Allele origin: germline.

Labcorp Genetics (formerly Invitae), Labcorp
Classification: Uncertain significance. Last evaluated: 2022-06-27. Review status: criteria provided, single submitter. Criteria: Invitae Variant Classification Sherloc (09022015). Collection method: clinical testing. Allele origin: germline.
Comment: This sequence change replaces proline, which is neutral and non-polar, with leucine, which is neutral and non-polar, at codon 810 of the ADAM9 protein (p.Pro810Leu). This variant is present in population databases (rs140544245, gnomAD 0.01%). This variant has not been reported in the literature in individuals affected with ADAM9-related conditions. ClinVar contains an entry for this variant (Variation ID: 1005098). Algorithms developed to predict the effect of missense changes on protein structure and function are either unavailable or do not agree on the potential impact of this missense change (SIFT: "Deleterious"; PolyPhen-2: "Probably Damaging"; Align-GVGD: "Class C0"). In summary, the available evidence is currently insufficient to determine the role of this variant in disease. Therefore, it has been classified as a Variant of Uncertain Significance.